The following is an entry in ClinVar:

NM_002439.5(MSH3):c.1168A>C (p.Ile390Leu)

Gene: MSH3 (mutS homolog 3; plus strand). Cytogenetic location: 5q14.1.
Variant type: single nucleotide variant.
Coding change: c.1168A>C on transcript NM_002439.5 (MANE Select); coding-DNA position 1168, A replaced by C.
Protein change: p.Ile390Leu; replaces isoleucine 390 with leucine.
Molecular consequence: missense variant.
Genome position (GRCh38, 1-based): chr5:80,675,123, A>C. VCF-style: chr5-80675123-A-C. GRCh37 (hg19) VCF-style: chr5-79970942-A-C.
Other names: short protein forms I390L.
Identifiers: ClinVar variation 3654061 (VCV003654061.2).

ClinVar aggregate classification (germline): Uncertain significance (1 of 4 stars; one submission).

Submission:

Labcorp Genetics (formerly Invitae), Labcorp
Classification: Uncertain significance. Last evaluated: 2024-05-21. Review status: criteria provided, single submitter. Criteria: Invitae Variant Classification Sherloc (09022015). Collection method: clinical testing. Allele origin: germline.
Comment: This sequence change replaces isoleucine, which is neutral and non-polar, with leucine, which is neutral and non-polar, at codon 390 of the MSH3 protein (p.Ile390Leu). This variant is not present in population databases (gnomAD no frequency). This variant has not been reported in the literature in individuals affected with MSH3-related conditions. Algorithms developed to predict the effect of missense changes on protein structure and function output the following: SIFT: "Not Available"; PolyPhen-2: "Benign"; Align-GVGD: "Not Available". The leucine amino acid residue is found in multiple mammalian species, which suggests that this missense change does not adversely affect protein function. In summary, the available evidence is currently insufficient to determine the role of this variant in disease. Therefore, it has been classified as a Variant of Uncertain Significance.